The following is an entry in ClinVar:

NM_000091.5(COL4A3):c.1274C>A (p.Ser425Ter)

Genes: MFF-DT (MFF divergent transcript; minus strand), COL4A3 (collagen type IV alpha 3 chain; plus strand). Cytogenetic location: 2q36.3.
Variant type: single nucleotide variant.
Coding change: c.1274C>A on transcript NM_000091.5 (MANE Select); coding-DNA position 1274, C replaced by A.
Protein change: p.Ser425Ter; replaces serine 425 with a stop codon.
Molecular consequence: nonsense.
Genome position (GRCh38, 1-based): chr2:227,263,903, C>A. VCF-style: chr2-227263903-C-A. GRCh37 (hg19) VCF-style: chr2-228128619-C-A.
Other names: short protein forms S425*.
Identifiers: ClinVar variation 2681739 (VCV002681739.5), dbSNP rs2469634847, ClinGen allele CA350869424.
Genomic context (GRCh38, chr2:227,263,903, plus strand): 5'-AACGAGGCCGCCCAGGAAAGGATGCCATGGGGACTCCTGGGTCCCCAGGTTGTGCTGGTT[C>A]ACCAGGTCTTCCAGGATCACCGGGACCTCCAGGACCGCCAGGTAAAGATGTGGAAGGGGA-3'

ClinVar aggregate classification (germline): Pathogenic/Likely pathogenic. Review status: criteria provided, multiple submitters, no conflicts (2 of 4 stars). 2 submissions from 2 submitters: Pathogenic (1); Likely pathogenic (1). Last evaluated 2023-12-01.

Conditions:
Autosomal dominant Alport syndrome (ATS3A). Also called: ALPORT SYNDROME 3A, AUTOSOMAL DOMINANT; Alport syndrome dominant type; Renal failure and sensorineural hearing loss. Identifiers: Orphanet 63, Orphanet 88918, MedGen C5882663, MONDO:0007086, OMIM 104200.

Submissions (2):

Precision Medicine Center, Zhengzhou University
Classification: Likely pathogenic for Autosomal dominant Alport syndrome. Last evaluated: 2023-12-01. Review status: criteria provided, single submitter. Criteria: ACMG Guidelines, 2015. Collection method: clinical testing. Allele origin: maternal. Affected: yes.
Comment: PVS1,PM2_p

Labcorp Genetics (formerly Invitae), Labcorp
Classification: Pathogenic. Last evaluated: 2023-06-06. Review status: criteria provided, single submitter. Criteria: Invitae Variant Classification Sherloc (09022015). Collection method: clinical testing. Allele origin: germline.
Comment: This sequence change creates a premature translational stop signal (p.Ser425*) in the COL4A3 gene. It is expected to result in an absent or disrupted protein product. Loss-of-function variants in COL4A3 are known to be pathogenic (PMID: 8956999, 24854265, 26809805, 27281700). This variant is not present in population databases (gnomAD no frequency). This premature translational stop signal has been observed in individual(s) with Alport syndrome (PMID: 22887978). For these reasons, this variant has been classified as Pathogenic.

Literature cited by the submitters: PubMed 8956999 (cited by Labcorp Genetics (formerly Invitae), Labcorp); PubMed 24854265 (cited by Labcorp Genetics (formerly Invitae), Labcorp); PubMed 26809805 (cited by Labcorp Genetics (formerly Invitae), Labcorp); PubMed 27281700 (cited by Labcorp Genetics (formerly Invitae), Labcorp); PubMed 22887978 (cited by Labcorp Genetics (formerly Invitae), Labcorp).